The following is an entry in ClinVar:

NM_002843.4(PTPRJ):c.3212A>G (p.Tyr1071Cys)

Gene: PTPRJ (protein tyrosine phosphatase receptor type J; plus strand). Cytogenetic location: 11p11.2.
Variant type: single nucleotide variant.
Coding change: c.3212A>G on transcript NM_002843.4 (MANE Select); coding-DNA position 3212, A replaced by G.
Protein change: p.Tyr1071Cys; replaces tyrosine 1071 with cysteine.
Molecular consequence: missense variant.
Genome position (GRCh38, 1-based): chr11:48,153,869, A>G. VCF-style: chr11-48153869-A-G. GRCh37 (hg19) VCF-style: chr11-48175421-A-G.
Other names: short protein forms Y1071C.
Identifiers: ClinVar variation 4989804 (VCV004989804.1).

ClinVar aggregate classification (germline): Uncertain significance (1 of 4 stars; one submission).

Conditions:
PTPRJ-related disorder. Also called: PTPRJ-related condition.

gnomAD v4.1: 10 of 1,612,218 alleles (0.00062%); highest among the groups gnomAD compares: African/African-American, 0.0013%; no homozygotes.

Submission:

PreventionGenetics, part of Exact Sciences
Classification: Uncertain significance for PTPRJ-related condition. Last evaluated: 2026-07-01. Review status: criteria provided, single submitter. Criteria: ACMG Guidelines, 2015. Collection method: clinical testing. Allele origin: germline.
Comment: The PTPRJ c.3212A>G variant is predicted to result in the amino acid substitution p.Tyr1071Cys. To our knowledge, this variant has not been reported in the literature or in a large population database (gnomAD), indicating this variant is rare. At this time, the clinical significance of this variant is uncertain due to the absence of conclusive functional and genetic evidence.